The following is an entry in ClinVar:

ClinVar aggregate classification (germline): Uncertain significance. Review status: criteria provided, multiple submitters, no conflicts (2 of 4 stars). 6 submissions from 6 submitters: Uncertain significance (6). Last evaluated 2024-11-05.

Conditions:
Developmental and epileptic encephalopathy, 42 (DEE42A). Also called: Epileptic encephalopathy, early infantile, 42; DEVELOPMENTAL AND EPILEPTIC ENCEPHALOPATHY 42A; EPILEPTIC ENCEPHALOPATHY, EARLY INFANTILE, 42A. Identifiers: MedGen C4310716, MONDO:0014917, OMIM 617106.
Episodic ataxia type 2 (EA2). Also called: ACETAZOLAMIDE-RESPONSIVE HEREDITARY PAROXYSMAL CEREBELLAR ATAXIA; ATAXIA, EPISODIC, WITH NYSTAGMUS; ATAXIA, FAMILIAL PAROXYSMAL; CEREBELLAR ATAXIA, PAROXYSMAL, ACETAZOLAMIDE-RESPONSIVE; CEREBELLOPATHY, HEREDITARY PAROXYSMAL; EPISODIC ATAXIA, NYSTAGMUS-ASSOCIATED. Identifiers: Orphanet 97, MedGen C1720416, MONDO:0007163, OMIM 108500.
Inborn genetic diseases. Identifiers: MedGen C0950123, MeSH D030342.

Allele frequency attached by ClinVar (database versions not stated): TOPMed 0.00002.
gnomAD v4.1: 12 of 1,400,290 alleles (0.00086%); highest among the groups gnomAD compares: Middle Eastern, 0.04%; no homozygotes.

Submissions (6):

Labcorp Genetics (formerly Invitae), Labcorp
Classification: Uncertain significance for Developmental and epileptic encephalopathy, 42; Episodic ataxia type 2. Last evaluated: 2024-11-05. Review status: criteria provided, single submitter. Criteria: Invitae Variant Classification Sherloc (09022015). Collection method: clinical testing. Allele origin: germline.
Comment: This sequence change replaces aspartic acid, which is acidic and polar, with tyrosine, which is neutral and polar, at codon 2173 of the CACNA1A protein (p.Asp2173Tyr). This variant is not present in population databases (gnomAD no frequency). This variant has not been reported in the literature in individuals affected with CACNA1A-related conditions. ClinVar contains an entry for this variant (Variation ID: 446942). Invitae Evidence Modeling of protein sequence and biophysical properties (such as structural, functional, and spatial information, amino acid conservation, physicochemical variation, residue mobility, and thermodynamic stability) indicates that this missense variant is not expected to disrupt CACNA1A protein function with a negative predictive value of 95%. In summary, the available evidence is currently insufficient to determine the role of this variant in disease. Therefore, it has been classified as a Variant of Uncertain Significance.

GeneDx
Classification: Uncertain significance. Last evaluated: 2023-10-02. Review status: criteria provided, single submitter. Criteria: GeneDx Variant Classification Process June 2021. Collection method: clinical testing. Allele origin: germline. Affected: yes.
Comment: Reported in a patient with episodic ataxia, chronic cerebellar signs, cerebellar atrophy, and abnormal EEG, but it is unknown whether this individual was tested for variants in other genes associated with this phenotype (Indelicato et al., 2021); In silico analysis supports that this missense variant has a deleterious effect on protein structure/function; Not observed at significant frequency in large population cohorts (gnomAD); This variant is associated with the following publications: (PMID: 33544220)

CeGaT Center for Human Genetics Tuebingen
Classification: Uncertain significance. Last evaluated: 2021-11-01. Review status: criteria provided, single submitter. Criteria: CeGaT Center For Human Genetics Tuebingen Variant Classification Criteria Version 2. Collection method: clinical testing. Allele origin: germline. Affected: yes. Observed: 1 variant allele.

Blueprint Genetics
Classification: Uncertain significance. Last evaluated: 2019-10-18. Review status: criteria provided, single submitter. Criteria: ACMG Guidelines, 2015. Collection method: clinical testing. Allele origin: germline.

Ambry Genetics
Classification: Uncertain significance for Inborn genetic diseases. Last evaluated: 2017-11-13. Review status: criteria provided, single submitter. Criteria: Ambry Variant Classification Scheme 2023. Collection method: clinical testing. Allele origin: germline.
Comment: The p.D2173Y variant (also known as c.6517G>T), located in coding exon 45 of the CACNA1A gene, results from a G to T substitution at nucleotide position 6517. The aspartic acid at codon 2173 is replaced by tyrosine, an amino acid with highly dissimilar properties. This amino acid position is well conserved in available vertebrate species. In addition, the in silico prediction for this alteration is inconclusive. Since supporting evidence is limited at this time, the clinical significance of this alteration remains unclear.

Athena Diagnostics
Classification: Uncertain significance. Last evaluated: 2017-02-22. Review status: criteria provided, single submitter. Criteria: Athena Diagnostics Criteria. Collection method: clinical testing. Allele origin: germline.

NM_001127222.2(CACNA1A):c.6514G>T (p.Asp2172Tyr)

Gene: CACNA1A (calcium voltage-gated channel subunit alpha1 A; minus strand). Cytogenetic location: 19p13.13.
Variant type: single nucleotide variant.
Coding change: c.6514G>T on transcript NM_001127222.2 (MANE Select); coding-DNA position 6514, G replaced by T.
Protein change: p.Asp2172Tyr; replaces aspartic acid 2172 with tyrosine.
Molecular consequence: missense variant.
Genome position (GRCh38, 1-based): chr19:13,209,324, C>A on the plus strand (G>T on the coding strand, the complement: CACNA1A is on the minus strand). VCF-style: chr19-13209324-C-A. GRCh37 (hg19) VCF-style: chr19-13320138-C-A.
Other names: c.6532G>T, p.Asp2178Tyr (NM_000068.4, NM_023035.3); c.6517G>T, p.Asp2173Tyr (NM_001127221.2); c.6523G>T, p.Asp2175Tyr (NM_001174080.2); short protein forms D2173Y, D2178Y, D2172Y, D2175Y.
Identifiers: ClinVar variation 446942 (VCV000446942.49), dbSNP rs370289732, ClinGen allele CA404330739.